The following is an entry in ClinVar:

NM_000548.5(TSC2):c.3090G>C (p.Met1030Ile)

Gene: TSC2 (TSC complex subunit 2; plus strand). Cytogenetic location: 16p13.3.
Variant type: single nucleotide variant.
Coding change: c.3090G>C on transcript NM_000548.5 (MANE Select); coding-DNA position 3090, G replaced by C.
Protein change: p.Met1030Ile; replaces methionine 1030 with isoleucine.
Molecular consequence: missense variant.
Genome position (GRCh38, 1-based): chr16:2,079,155, G>C. VCF-style: chr16-2079155-G-C. GRCh37 (hg19) VCF-style: chr16-2129156-G-C.
Other names: c.2958G>C, p.Met986Ile (NM_001077183.3, NM_001370404.1); c.3090G>C, p.Met1030Ile (NM_001114382.3); c.2850G>C, p.Met950Ile (NM_001318827.2); c.2814G>C, p.Met938Ile (NM_001318829.2); c.2358G>C, p.Met786Ile (NM_001318831.2); c.2991G>C, p.Met997Ile (NM_001318832.2); c.2961G>C, p.Met987Ile (NM_001363528.2, NM_001370405.1, NM_021055.3); c.3090G>C (NM_000548.3); short protein forms M987I, M938I, M950I, M986I, M1030I, M786I, M997I.
Identifiers: ClinVar variation 1365142 (VCV001365142.9), dbSNP rs2151433890, ClinGen allele CA394284672.

ClinVar aggregate classification (germline): Uncertain significance. Review status: criteria provided, multiple submitters, no conflicts (2 of 4 stars). 2 submissions from 2 submitters: Uncertain significance (2). Last evaluated 2025-11-28.

Conditions:
Hereditary cancer-predisposing syndrome. Also called: Hereditary neoplastic syndrome; Hereditary Cancer Syndrome; Neoplastic Syndromes, Hereditary; Tumor predisposition. Identifiers: Orphanet 140162, MedGen C0027672, MeSH D009386, MONDO:0015356.
Tuberous sclerosis 2 (TSC2). Identifiers: Orphanet 805, MedGen C1860707, MONDO:0013199, OMIM 613254.

Submissions (2):

Ambry Genetics
Classification: Uncertain significance for Hereditary cancer-predisposing syndrome. Last evaluated: 2025-11-28. Review status: criteria provided, single submitter. Criteria: Ambry Variant Classification Scheme 2023. Collection method: clinical testing. Allele origin: germline.
Comment: The p.M1030I variant (also known as c.3090G>C), located in coding exon 26 of the TSC2 gene, results from a G to C substitution at nucleotide position 3090. The methionine at codon 1030 is replaced by isoleucine, an amino acid with highly similar properties. This amino acid position is conserved. In addition, this alteration is predicted to be deleterious by in silico analysis. Based on the available evidence, the clinical significance of this variant remains unclear.

Labcorp Genetics (formerly Invitae), Labcorp
Classification: Uncertain significance for Tuberous sclerosis 2. Last evaluated: 2021-01-16. Review status: criteria provided, single submitter. Criteria: Invitae Variant Classification Sherloc (09022015). Collection method: clinical testing. Allele origin: germline.
Comment: This sequence change replaces methionine with isoleucine at codon 1030 of the TSC2 protein (p.Met1030Ile). The methionine residue is highly conserved and there is a small physicochemical difference between methionine and isoleucine. This variant is not present in population databases (ExAC no frequency). This variant has not been reported in the literature in individuals with TSC2-related conditions. Advanced modeling of protein sequence and biophysical properties (such as structural, functional, and spatial information, amino acid conservation, physicochemical variation, residue mobility, and thermodynamic stability) performed at Invitae indicates that this missense variant is not expected to disrupt TSC2 protein function. In summary, the available evidence is currently insufficient to determine the role of this variant in disease. Therefore, it has been classified as a Variant of Uncertain Significance.